The following is an entry in ClinVar:

NM_016379.4(VCX3A):c.324C>T (p.Ser108=)

Genes: VCX3A (variable charge X-linked 3A; minus strand), LOC106029240 (S232-VCX3A recombination region; plus strand). Cytogenetic location: Xp22.31.
Variant type: single nucleotide variant.
Coding change: c.324C>T on transcript NM_016379.4 (MANE Select); coding-DNA position 324, C replaced by T.
Protein change: p.Ser108=; no amino-acid change (serine 108 retained).
Molecular consequence: synonymous variant.
Genome position (GRCh38, 1-based): chrX:6,533,982, G>A on the plus strand (C>T on the coding strand, the complement: VCX3A is on the minus strand). VCF-style: chrX-6533982-G-A. GRCh37 (hg19) VCF-style: chrX-6452023-G-A.
Identifiers: ClinVar variation 3905215 (VCV003905215.10).

ClinVar aggregate classification (germline): Likely benign (1 of 4 stars; one submission).

Submission:

CeGaT Center for Human Genetics Tuebingen
Classification: Likely benign. Last evaluated: 2025-05-01. Review status: criteria provided, single submitter. Criteria: CeGaT Center For Human Genetics Tuebingen Variant Classification Criteria Version 2. Collection method: clinical testing. Allele origin: germline. Affected: yes. Observed: 1 variant allele.
Comment: VCX3A: BP4, BP7